The following is an entry in ClinVar:

NM_024408.4(NOTCH2):c.2780T>G (p.Met927Arg)

Gene: NOTCH2 (notch receptor 2; minus strand). Cytogenetic location: 1p12.
Variant type: single nucleotide variant.
Coding change: c.2780T>G on transcript NM_024408.4 (MANE Select); coding-DNA position 2780, T replaced by G.
Protein change: p.Met927Arg; replaces methionine 927 with arginine.
Molecular consequence: missense variant.
Genome position (GRCh38, 1-based): chr1:119,941,727, A>C on the plus strand (T>G on the coding strand, the complement: NOTCH2 is on the minus strand). VCF-style: chr1-119941727-A-C. GRCh37 (hg19) VCF-style: chr1-120484350-A-C.
Other names: c.2780T>G, p.Met927Arg (NM_001200001.2); short protein forms M927R.
Identifiers: ClinVar variation 1478003 (VCV001478003.8), dbSNP rs782079844, ClinGen allele CA1040200.

ClinVar aggregate classification (germline): Uncertain significance (1 of 4 stars; one submission).

Conditions:
Hajdu-Cheney syndrome (HJCYS). Also called: ACROOSTEOLYSIS WITH OSTEOPOROSIS AND CHANGES IN SKULL AND MANDIBLE; SERPENTINE FIBULA-POLYCYSTIC KIDNEY SYNDROME; Acroosteolysis dominant type. Identifiers: Orphanet 955, MedGen C0917715, MONDO:0007057, OMIM 102500.

Allele frequency attached by ClinVar (database versions not stated): gnomAD exomes below 0.00001; ExAC 0.00001; gnomAD 0.00001; TOPMed 0.00001.
gnomAD v4.1: 5 of 1,613,992 alleles (0.00031%); highest among the groups gnomAD compares: Admixed American, 0.0017%; no homozygotes.

Submission:

Labcorp Genetics (formerly Invitae), Labcorp
Classification: Uncertain significance for Hajdu-Cheney syndrome. Last evaluated: 2024-10-29. Review status: criteria provided, single submitter. Criteria: Invitae Variant Classification Sherloc (09022015). Collection method: clinical testing. Allele origin: germline.
Comment: This sequence change replaces methionine, which is neutral and non-polar, with arginine, which is basic and polar, at codon 927 of the NOTCH2 protein (p.Met927Arg). This variant is present in population databases (rs782079844, gnomAD 0.0009%). This variant has not been reported in the literature in individuals affected with NOTCH2-related conditions. ClinVar contains an entry for this variant (Variation ID: 1478003). Invitae Evidence Modeling of protein sequence and biophysical properties (such as structural, functional, and spatial information, amino acid conservation, physicochemical variation, residue mobility, and thermodynamic stability) indicates that this missense variant is not expected to disrupt NOTCH2 protein function with a negative predictive value of 80%. Algorithms developed to predict the effect of sequence changes on RNA splicing suggest that this variant may disrupt the consensus splice site. In summary, the available evidence is currently insufficient to determine the role of this variant in disease. Therefore, it has been classified as a Variant of Uncertain Significance.